The following is an entry in ClinVar:

ClinVar aggregate classification (germline): Uncertain significance (1 of 4 stars; one submission).

Submission:

GeneDx
Classification: Uncertain significance. Last evaluated: 2022-07-08. Review status: criteria provided, single submitter. Criteria: GeneDx Variant Classification Process June 2021. Collection method: clinical testing. Allele origin: germline. Affected: yes.
Comment: Not observed at significant frequency in large population cohorts (gnomAD); In silico analysis supports that this missense variant has a deleterious effect on protein structure/function; Has not been previously published as pathogenic or benign to our knowledge

NM_004397.6(DDX6):c.1285G>A (p.Gly429Ser)

Gene: DDX6 (DEAD-box helicase 6; minus strand). Cytogenetic location: 11q23.3.
Variant type: single nucleotide variant.
Coding change: c.1285G>A on transcript NM_004397.6 (MANE Select); coding-DNA position 1285, G replaced by A.
Protein change: p.Gly429Ser; replaces glycine 429 with serine.
Molecular consequence: missense variant.
Genome position (GRCh38, 1-based): chr11:118,754,879, C>T on the plus strand (G>A on the coding strand, the complement: DDX6 is on the minus strand). VCF-style: chr11-118754879-C-T. GRCh37 (hg19) VCF-style: chr11-118625588-C-T.
Other names: c.1285G>A, p.Gly429Ser (NM_001257191.3); short protein forms G429S.
Identifiers: ClinVar variation 1810668 (VCV001810668.1), dbSNP rs2501252725, ClinGen allele CA382887173.